The following is an entry in ClinVar:

ClinVar aggregate classification (germline): Uncertain significance (1 of 4 stars; one submission).

Conditions:
Hereditary nonpolyposis colorectal neoplasms. Identifiers: MedGen C0009405, MeSH D003123.

Submission:

Labcorp Genetics (formerly Invitae), Labcorp
Classification: Uncertain significance for Hereditary nonpolyposis colorectal neoplasms. Last evaluated: 2025-07-30. Review status: criteria provided, single submitter. Criteria: Invitae Variant Classification Sherloc (09022015). Collection method: clinical testing. Allele origin: germline.
Comment: This sequence change replaces lysine, which is basic and polar, with isoleucine, which is neutral and non-polar, at codon 1233 of the MSH6 protein (p.Lys1233Ile). This variant is not present in population databases (gnomAD no frequency). This variant has not been reported in the literature in individuals affected with MSH6-related conditions. Invitae Evidence Modeling of protein sequence and biophysical properties (such as structural, functional, and spatial information, amino acid conservation, physicochemical variation, residue mobility, and thermodynamic stability) indicates that this missense variant is not expected to disrupt MSH6 protein function with a negative predictive value of 95%. In summary, the available evidence is currently insufficient to determine the role of this variant in disease. Therefore, it has been classified as a Variant of Uncertain Significance.

NM_000179.3(MSH6):c.3698A>T (p.Lys1233Ile)

Gene: MSH6 (mutS homolog 6; plus strand). Cytogenetic location: 2p16.3.
Variant type: single nucleotide variant.
Coding change: c.3698A>T on transcript NM_000179.3 (MANE Select); coding-DNA position 3698, A replaced by T.
Protein change: p.Lys1233Ile; replaces lysine 1233 with isoleucine.
Molecular consequence: missense variant. On other transcripts: non-coding transcript variant (5).
Genome position (GRCh38, 1-based): chr2:47,806,255, A>T. VCF-style: chr2-47806255-A-T. GRCh37 (hg19) VCF-style: chr2-48033394-A-T.
Other names: c.3308A>T, p.Lys1103Ile (NM_001281492.2); c.2792A>T, p.Lys931Ile (NM_001281493.2, NM_001281494.2, NM_001406811.1 and 6 more transcripts); c.3794A>T, p.Lys1265Ile (NM_001406795.1, NM_001406802.1); c.3698A>T, p.Lys1233Ile (NM_001406796.1, NM_001406800.1, NM_001406808.1 and 1 more transcripts); c.3401A>T, p.Lys1134Ile (NM_001406797.1, NM_001406801.1, NM_001406805.1 and 10 more transcripts); c.3524A>T, p.Lys1175Ile (NM_001406798.1); c.3173A>T, p.Lys1058Ile (NM_001406799.1, NM_001406806.1, NM_001406807.1); c.2834A>T, p.Lys945Ile (NM_001406803.1); and 7 more; short protein forms K1058I, K1103I, K1134I, K1175I, K1177I, K1207I, K1233I, K1235I.
Identifiers: ClinVar variation 4800233 (VCV004800233.1).